The following is an entry in ClinVar:

NM_001101.5(ACTB):c.359C>T (p.Thr120Ile)

Gene: ACTB (actin beta; minus strand). Cytogenetic location: 7p22.1.
Variant type: single nucleotide variant.
Coding change: c.359C>T on transcript NM_001101.5 (MANE Select); coding-DNA position 359, C replaced by T.
Protein change: p.Thr120Ile; replaces threonine 120 with isoleucine.
Molecular consequence: missense variant.
Genome position (GRCh38, 1-based): chr7:5,529,165, G>A on the plus strand (C>T on the coding strand, the complement: ACTB is on the minus strand). VCF-style: chr7-5529165-G-A. GRCh37 (hg19) VCF-style: chr7-5568796-G-A.
Other names: short protein forms T120I.
Identifiers: ClinVar variation 127168 (VCV000127168.4), dbSNP rs587779774, ClinGen allele CA345773.

ClinVar aggregate classification (germline): Pathogenic. Review status: no assertion criteria provided (0 of 4 stars). 3 submissions from 3 submitters: Pathogenic (2). 1 of the submissions does not count toward it. Last evaluated 2014-07-23.

Conditions:
Baraitser-Winter syndrome. Also called: CEREBROOCULOFACIAL LYMPHATIC SYNDROME; COFL SYNDROME; Fryns-Aftimos syndrome; Fryns-Aftimos Syndrome (Pachygyria, Mental Retardation, Epilepsy, and Characteristic Facies); Baraitser-Winter cerebrofrontofacial syndrome. Identifiers: Orphanet 2995, MedGen C1853623, MONDO:0017579.
Baraitser-Winter syndrome 1 (BRWS1). Also called: PACHYGYRIA, MENTAL RETARDATION, EPILEPSY, AND CHARACTERISTIC FACIES; MENTAL RETARDATION WITH EPILEPSY AND CHARACTERISTIC FACIES; Cerebrofrontofacial syndrome; BARAITSER-WINTER SYNDROME 1, ATYPICAL. Identifiers: Orphanet 2649, Orphanet 2995, MedGen C1855722, MONDO:0009470, OMIM 243310.

Submissions (3):

OMIM
Classification: Pathogenic for BARAITSER-WINTER SYNDROME 1. Last evaluated: 2014-07-23. Review status: no assertion criteria provided. Collection method: literature only. Allele origin: germline.

Department of Genetics, Robert DEBRE University Hospital
Classification: Pathogenic for Iris coloboma with ptosis, hypertelorism, and mental retardation. Last evaluated: 2014-04-15. Review status: no assertion criteria provided. Collection method: clinical testing. Allele origin: germline. Affected: yes. Observed: 2 variant alleles.

GeneReviews
No classification provided. Condition: Baraitser-Winter syndrome. Review status: no classification provided. Collection method: literature only. Allele origin: germline. Not counted in ClinVar's aggregate classification.
Comment: Assoc w/severe phenotype [Di Donato et al 2014]

Literature cited by the submitters: PubMed 23756437 (cited by OMIM and GeneReviews); PubMed 1415343 (cited by OMIM); PubMed 10327243 (cited by OMIM); PubMed 25052316 (cited by OMIM and Department of Genetics, Robert DEBRE University Hospital); NCBI Bookshelf NBK327153 (cited by GeneReviews).